The following is an entry in ClinVar:

NM_181426.2(CCDC39):c.268G>T (p.Ala90Ser)

Gene: CCDC39 (coiled-coil domain 39 molecular ruler complex subunit; minus strand). Cytogenetic location: 3q26.33.
Variant type: single nucleotide variant.
Coding change: c.268G>T on transcript NM_181426.2 (MANE Select); coding-DNA position 268, G replaced by T.
Protein change: p.Ala90Ser; replaces alanine 90 with serine.
Molecular consequence: missense variant.
Genome position (GRCh38, 1-based): chr3:180,661,950, C>A on the plus strand (G>T on the coding strand, the complement: CCDC39 is on the minus strand). VCF-style: chr3-180661950-C-A. GRCh37 (hg19) VCF-style: chr3-180379738-C-A.
Other names: short protein forms A90S.
Identifiers: ClinVar variation 4698666 (VCV004698666.1).

ClinVar aggregate classification (germline): Uncertain significance (1 of 4 stars; one submission).

Conditions:
Primary ciliary dyskinesia. Also called: Ciliary dyskinesia. Identifiers: Orphanet 244, MedGen C0008780, MONDO:0016575, HP:0012265.

Submission:

Labcorp Genetics (formerly Invitae), Labcorp
Classification: Uncertain significance for Primary ciliary dyskinesia. Last evaluated: 2025-08-20. Review status: criteria provided, single submitter. Criteria: Invitae Variant Classification Sherloc (09022015). Collection method: clinical testing. Allele origin: germline.
Comment: This sequence change replaces alanine, which is neutral and non-polar, with serine, which is neutral and polar, at codon 90 of the CCDC39 protein (p.Ala90Ser). This variant is present in population databases (no rsID available, gnomAD 0.02%). This variant has not been reported in the literature in individuals affected with CCDC39-related conditions. An algorithm developed to predict the effect of missense changes on protein structure and function (PolyPhen-2) suggests that this variant is likely to be disruptive. In summary, the available evidence is currently insufficient to determine the role of this variant in disease. Therefore, it has been classified as a Variant of Uncertain Significance.